The following is an entry in ClinVar:

NM_001083124.1(SPATA31A3):c.2071C>T (p.Arg691Trp)

Gene: SPATA31A3 (SPATA31 subfamily A member 3; minus strand). Cytogenetic location: 9q21.11.
Variant type: single nucleotide variant.
Coding change: c.2071C>T on transcript NM_001083124.1 (MANE Select); coding-DNA position 2071, C replaced by T.
Protein change: p.Arg691Trp; replaces arginine 691 with tryptophan.
Molecular consequence: missense variant.
Genome position (GRCh38, 1-based): chr9:66,988,427, G>A on the plus strand (C>T on the coding strand, the complement: SPATA31A3 is on the minus strand). VCF-style: chr9-66988427-G-A. GRCh37 (hg19) VCF-style: chr9-40704414-C-T.
Other names: short protein forms R691W.
Identifiers: ClinVar variation 3168352 (VCV003168352.2), dbSNP rs900260065, ClinGen allele CA193902077.

ClinVar aggregate classification (germline): Uncertain significance (1 of 4 stars; one submission).

Allele frequency attached by ClinVar (database versions not stated): TOPMed 0.00011.

Submission:

Ambry Genetics
Classification: Uncertain significance. Last evaluated: 2026-04-01. Review status: criteria provided, single submitter. Criteria: Ambry Variant Classification Scheme 2023. Collection method: clinical testing. Allele origin: germline.
Comment: The c.2071C>T (p.R691W) alteration is located in exon 4 (coding exon 4) of the SPATA31A3 gene. This alteration results from a C to T substitution at nucleotide position 2071, causing the arginine (R) at amino acid position 691 to be replaced by a tryptophan (W). Based on data from gnomAD, the T allele has an overall frequency of <0.001% (0/2534) total alleles studied. The highest observed frequency was <0.001% (/) of alleles. Based on insufficient or conflicting evidence, the clinical significance of this alteration remains unclear.